The following is an entry in ClinVar:

ClinVar aggregate classification (germline): Uncertain significance (1 of 4 stars; one submission).

Conditions:
Inborn genetic diseases. Identifiers: MedGen C0950123, MeSH D030342.

gnomAD v4.1: 3 of 1,540,094 alleles (0.00019%); highest among the groups gnomAD compares: Non-Finnish European, 0.00026%; no homozygotes.

Submission:

Ambry Genetics
Classification: Uncertain significance for Inborn genetic diseases. Last evaluated: 2025-10-01. Review status: criteria provided, single submitter. Criteria: Ambry Variant Classification Scheme 2023. Collection method: clinical testing. Allele origin: germline.
Comment: The c.5387C>T (p.A1796V) alteration is located in exon 32 (coding exon 31) of the PLEC gene. This alteration results from a C to T substitution at nucleotide position 5387, causing the alanine (A) at amino acid position 1796 to be replaced by a valine (V). Based on data from gnomAD, the T allele has an overall frequency of 0.001% (1/136256) total alleles studied. The highest observed frequency was 0.002% (1/52798) of European (non-Finnish) alleles. Based on insufficient or conflicting evidence, the clinical significance of this alteration remains unclear.

NM_201384.3(PLEC):c.5306C>T (p.Ala1769Val)

Gene: PLEC (plectin; minus strand). Cytogenetic location: 8q24.3.
Variant type: single nucleotide variant.
Coding change: c.5306C>T on transcript NM_201384.3 (MANE Select); coding-DNA position 5306, C replaced by T.
Protein change: p.Ala1769Val; replaces alanine 1769 with valine.
Molecular consequence: missense variant. On other transcripts: intron variant (1).
Genome position (GRCh38, 1-based): chr8:143,924,623, G>A on the plus strand (C>T on the coding strand, the complement: PLEC is on the minus strand). VCF-style: chr8-143924623-G-A. GRCh37 (hg19) VCF-style: chr8-144998791-G-A.
Other names: c.4125+2161C>T (NM_001410941.1); c.5387C>T, p.Ala1796Val (NM_000445.5); c.5264C>T, p.Ala1755Val (NM_201378.4); c.5240C>T, p.Ala1747Val (NM_201379.3); c.5717C>T, p.Ala1906Val (NM_201380.4); c.5210C>T, p.Ala1737Val (NM_201381.3); c.5306C>T, p.Ala1769Val (NM_201382.4); c.5318C>T, p.Ala1773Val (NM_201383.3); short protein forms A1737V, A1747V, A1755V, A1769V, A1906V, A1773V, A1796V.
Identifiers: ClinVar variation 4627947 (VCV004627947.1).
Genomic context (GRCh38, chr8:143,924,623, plus strand): 5'-AGCCTCTGCTTGGACTTCTCGCTGGTGGAGCGCGACTCCTCCTCAGCCCTCGCCTTGCTG[G>A]CCAGCAGCACCTCCATCTCGGCCCGCACCTTGGCCAGCTCGGCTTCCAGCTCCTGCCGTT-3'
Protein context (NP_958786.1, residues 1759-1779): KVRAEMEVLL[Ala1769Val]SKARAEEESR